The following is an entry in ClinVar:

NM_001242896.3(DEPDC5):c.3268G>A (p.Gly1090Arg)

Gene: DEPDC5 (DEP domain containing 5, GATOR1 subcomplex subunit; plus strand). Cytogenetic location: 22q12.3.
Variant type: single nucleotide variant.
Coding change: c.3268G>A on transcript NM_001242896.3 (MANE Select); coding-DNA position 3268, G replaced by A.
Protein change: p.Gly1090Arg; replaces glycine 1090 with arginine.
Molecular consequence: missense variant. On other transcripts: non-coding transcript variant (2), intron variant (5).
Genome position (GRCh38, 1-based): chr22:31,861,371, G>A. VCF-style: chr22-31861371-G-A. GRCh37 (hg19) VCF-style: chr22-32257357-G-A.
Other names: c.3241G>A, p.Gly1081Arg (NM_001136029.4); c.3034G>A, p.Gly1012Arg (NM_001363854.2, NM_001364319.2); c.3268G>A, p.Gly1090Arg (NM_001364318.2); c.3184G>A, p.Gly1062Arg (NM_001369901.1, NM_001369902.1); c.3237+3818G>A (NM_014662.6, NM_001369903.1); c.3264+3818G>A (NM_001363852.2, NM_001364320.2); c.3030+3818G>A (NM_001242897.2); short protein forms G1012R, G1062R, G1081R, G1090R.
Identifiers: ClinVar variation 1006695 (VCV001006695.8), dbSNP rs1490171877, ClinGen allele CA411294509.

ClinVar aggregate classification (germline): Uncertain significance (1 of 4 stars; one submission).

Conditions:
Familial focal epilepsy with variable foci (FPEVF). Identifiers: Orphanet 98820, MedGen C1858477, MONDO:0020310.

Allele frequency attached by ClinVar (database versions not stated): gnomAD exomes below 0.00001 and 0.00001.
gnomAD v4.1: 7 of 1,551,342 alleles (0.00045%); highest among the groups gnomAD compares: Admixed American, 0.002%; no homozygotes.

Submission:

Labcorp Genetics (formerly Invitae), Labcorp
Classification: Uncertain significance for Familial focal epilepsy with variable foci. Last evaluated: 2024-12-16. Review status: criteria provided, single submitter. Criteria: Invitae Variant Classification Sherloc (09022015). Collection method: clinical testing. Allele origin: germline.
Comment: This sequence change replaces glycine, which is neutral and non-polar, with arginine, which is basic and polar, at codon 1090 of the DEPDC5 protein (p.Gly1090Arg). This variant is present in population databases (no rsID available, gnomAD 0.004%). This variant has not been reported in the literature in individuals affected with DEPDC5-related conditions. ClinVar contains an entry for this variant (Variation ID: 1006695). Experimental studies and prediction algorithms are not available or were not evaluated, and the functional significance of this variant is currently unknown. In summary, the available evidence is currently insufficient to determine the role of this variant in disease. Therefore, it has been classified as a Variant of Uncertain Significance.